The following is an entry in ClinVar:

ClinVar aggregate classification (germline): Pathogenic (1 of 4 stars; one submission).

Conditions:
Alpha-1-antitrypsin deficiency (A1ATD). Also called: AAT deficiency; A1AT deficiency; Alpha1-Antitrypsin Deficiency. Identifiers: Orphanet 60, MedGen C0221757, MONDO:0013282, OMIM 613490.

Submission:

Labcorp Genetics (formerly Invitae), Labcorp
Classification: Pathogenic for Alpha-1-antitrypsin deficiency. Last evaluated: 2019-02-12. Review status: criteria provided, single submitter. Criteria: Invitae Variant Classification Sherloc (09022015). Collection method: clinical testing. Allele origin: germline.
Comment: For these reasons, this variant has been classified as Pathogenic. Loss-of-function variants in SERPINA1 are known to be pathogenic (PMID: 25425243). This variant has been observed in individuals affected with alpha-1 antitrypsin deficiency(PMID: 25425243). This variant is not present in population databases (ExAC no frequency). This sequence change creates a premature translational stop signal (p.Glu281*) in the SERPINA1 gene. It is expected to result in an absent or disrupted protein product.

Literature cited by the submitters: PubMed 25425243.

NM_000295.5(SERPINA1):c.841G>T (p.Glu281Ter)

Gene: SERPINA1 (serpin family A member 1; minus strand). Cytogenetic location: 14q32.13.
Variant type: single nucleotide variant.
Coding change: c.841G>T on transcript NM_000295.5 (MANE Select); coding-DNA position 841, G replaced by T.
Protein change: p.Glu281Ter; replaces glutamic acid 281 with a stop codon.
Molecular consequence: nonsense.
Genome position (GRCh38, 1-based): chr14:94,380,947, C>A on the plus strand (G>T on the coding strand, the complement: SERPINA1 is on the minus strand). VCF-style: chr14-94380947-C-A. GRCh37 (hg19) VCF-style: chr14-94847284-C-A.
Other names: c.841G>T, p.Glu281Ter (NM_001002235.3, NM_001002236.3, NM_001127700.2 and 7 more transcripts); short protein forms E281*.
Identifiers: ClinVar variation 859309 (VCV000859309.9), dbSNP rs760917668, ClinGen allele CA390848462.